The following is an entry in ClinVar:

Conditions:
Long QT syndrome 5 (LQT5). Identifiers: Orphanet 101016, Orphanet 768, MedGen C1867904, MONDO:0013372, OMIM 613695.

Submission:

Roden Lab, Vanderbilt University Medical Center
No classification provided (evidence only). Condition: Long QT syndrome 5. Review status: no classification provided. Collection method: in vitro. Allele origin: not applicable. Functional consequence: Effect on ion channel function.
ClinVar note: "not provided" was previously submitted as the classification for the variant. However, the classification appeared to be based only on an observation of functional data so it was converted to no classification on 2025-07-30.

NM_000219.6(KCNE1):c.109A>T (p.Ser37Cys)

Gene: KCNE1 (potassium voltage-gated channel subfamily E regulatory subunit 1; minus strand). Cytogenetic location: 21q22.12.
Variant type: single nucleotide variant.
Coding change: c.109A>T on transcript NM_000219.6 (MANE Select); coding-DNA position 109, A replaced by T.
Protein change: p.Ser37Cys; replaces serine 37 with cysteine.
Molecular consequence: missense variant.
Genome position (GRCh38, 1-based): chr21:34,449,526, T>A on the plus strand (A>T on the coding strand, the complement: KCNE1 is on the minus strand). VCF-style: chr21-34449526-T-A. GRCh37 (hg19) VCF-style: chr21-35821824-T-A.
Other names: c.109A>T, p.Ser37Cys (NM_001127668.4, NM_001127669.4, NM_001127670.4 and 4 more transcripts); short protein forms S37C.
Identifiers: ClinVar variation 3374073 (VCV003374073.2).